The following is an entry in ClinVar:

NM_001384474.1(LOXHD1):c.4960del (p.Glu1654fs)

Gene: LOXHD1 (lipoxygenase homology PLAT domains 1; minus strand). Cytogenetic location: 18q21.1.
Variant type: Deletion.
Coding change: c.4960del on transcript NM_001384474.1 (MANE Select); coding-DNA position 4960, one base deleted (G; older notation c.4960delG).
Protein change: p.Glu1654fs; shifts the reading frame from glutamic acid 1654.
Molecular consequence: frameshift variant.
Genome position (GRCh38, 1-based): chr18:46,522,226, C deleted on the plus strand (G on the coding strand, the reverse complement: LOXHD1 is on the minus strand); the first of 4 consecutive C bases (chr18:46,522,226-46,522,229); deleting any one gives the same sequence. VCF-style (leftmost placement, unchanged base first): chr18-46522225-TC-T. GRCh37 (hg19) VCF-style: chr18-44102188-TC-T.
Other names: c.1627del, p.Glu543fs (NM_001145472.3); c.1339del, p.Glu447fs (NM_001308013.2); c.4960del, p.Glu1654fs (NM_144612.7); short protein forms E1654fs, E447fs, E543fs.
Identifiers: ClinVar variation 3010949 (VCV003010949.3), dbSNP rs2511599836, ClinGen allele CA2576497014.

ClinVar aggregate classification (germline): Pathogenic (1 of 4 stars; one submission).

Submission:

Labcorp Genetics (formerly Invitae), Labcorp
Classification: Pathogenic. Last evaluated: 2023-02-11. Review status: criteria provided, single submitter. Criteria: Invitae Variant Classification Sherloc (09022015). Collection method: clinical testing. Allele origin: germline.
Comment: For these reasons, this variant has been classified as Pathogenic. This variant has not been reported in the literature in individuals affected with LOXHD1-related conditions. This variant is not present in population databases (gnomAD no frequency). This sequence change creates a premature translational stop signal (p.Glu1654Argfs*41) in the LOXHD1 gene. It is expected to result in an absent or disrupted protein product. Loss-of-function variants in LOXHD1 are known to be pathogenic (PMID: 19732867, 21465660, 25792669).

Literature cited by the submitters: PubMed 19732867; PubMed 21465660; PubMed 25792669.